The following is an entry in ClinVar:

ClinVar aggregate classification (germline): Uncertain significance (1 of 4 stars; one submission).

Allele frequency attached by ClinVar (database versions not stated): ExAC 0.00001.
gnomAD v4.1: 3 of 1,605,988 alleles (0.00019%); highest among the groups gnomAD compares: Non-Finnish European, 0.00017%; no homozygotes.

Submission:

Labcorp Genetics (formerly Invitae), Labcorp
Classification: Uncertain significance. Last evaluated: 2023-08-31. Review status: criteria provided, single submitter. Criteria: Invitae Variant Classification Sherloc (09022015). Collection method: clinical testing. Allele origin: germline.
Comment: In summary, the available evidence is currently insufficient to determine the role of this variant in disease. Therefore, it has been classified as a Variant of Uncertain Significance. Advanced modeling of protein sequence and biophysical properties (such as structural, functional, and spatial information, amino acid conservation, physicochemical variation, residue mobility, and thermodynamic stability) performed at Invitae indicates that this missense variant is expected to disrupt NEDD4L protein function. This variant has not been reported in the literature in individuals affected with NEDD4L-related conditions. This variant is present in population databases (rs757213039, gnomAD no frequency). This sequence change replaces glutamic acid, which is acidic and polar, with glutamine, which is neutral and polar, at codon 730 of the NEDD4L protein (p.Glu730Gln).

NM_001144967.3(NEDD4L):c.2248G>C (p.Glu750Gln)

Gene: NEDD4L (NEDD4 like E3 ubiquitin protein ligase; plus strand). Cytogenetic location: 18q21.31.
Variant type: single nucleotide variant.
Coding change: c.2248G>C on transcript NM_001144967.3 (MANE Select); coding-DNA position 2248, G replaced by C.
Protein change: p.Glu750Gln; replaces glutamic acid 750 with glutamine.
Molecular consequence: missense variant.
Genome position (GRCh38, 1-based): chr18:58,370,459, G>C. VCF-style: chr18-58370459-G-C. GRCh37 (hg19) VCF-style: chr18-56037691-G-C.
Other names: c.1885G>C, p.Glu629Gln (NM_001144964.1, NM_001144965.2, NM_001144966.3); c.2224G>C, p.Glu742Gln (NM_001144968.2); c.2164G>C, p.Glu722Gln (NM_001144969.2); c.1825G>C, p.Glu609Gln (NM_001144970.3, NM_001144971.2); c.2056G>C, p.Glu686Gln (NM_001243960.2); c.2188G>C, p.Glu730Gln (NM_015277.6); short protein forms E629Q, E686Q, E730Q, E742Q, E609Q, E722Q, E750Q.
Identifiers: ClinVar variation 2775594 (VCV002775594.3), dbSNP rs757213039, ClinGen allele CA8975904.